The following is an entry in ClinVar:

NM_003476.5(CSRP3):c.335C>T (p.Ala112Val)

Gene: CSRP3 (cysteine and glycine rich protein 3; minus strand). Cytogenetic location: 11p15.1.
Variant type: single nucleotide variant.
Coding change: c.335C>T on transcript NM_003476.5 (MANE Select); coding-DNA position 335, C replaced by T.
Protein change: p.Ala112Val; replaces alanine 112 with valine.
Molecular consequence: missense variant. On other transcripts: nonsense (1).
Genome position (GRCh38, 1-based): chr11:19,186,295, G>A on the plus strand (C>T on the coding strand, the complement: CSRP3 is on the minus strand). VCF-style: chr11-19186295-G-A. GRCh37 (hg19) VCF-style: chr11-19207842-G-A.
Other names: c.166C>T, p.Arg56Ter (NM_001369404.1); c.335C>T (NM_003476.3); short protein forms A112V, R56*.
Identifiers: ClinVar variation 1058043 (VCV001058043.12), dbSNP rs753711278, ClinGen allele CA5916569.

ClinVar aggregate classification (germline): Conflicting classifications of pathogenicity. Review status: criteria provided, conflicting classifications (1 of 4 stars). 4 submissions from 4 submitters: Uncertain significance (3); Likely benign (1). Last evaluated 2026-08-26.

Conditions:
Cardiovascular phenotype. Identifiers: MedGen CN230736.
Hypertrophic cardiomyopathy 12. Identifiers: MedGen C2677491, MONDO:0012804, OMIM 612124.
Dilated cardiomyopathy 1M (CMD1M). Identifiers: Orphanet 154, MedGen C1843808, MONDO:0011840, OMIM 607482.

Allele frequency attached by ClinVar (database versions not stated): TOPMed 0.00002.
gnomAD v4.1: 40 of 1,614,052 alleles (0.0025%); highest among the groups gnomAD compares: Non-Finnish European, 0.0031%; no homozygotes.

Submissions (4):

Ambry Genetics
Classification: Uncertain significance for Cardiovascular phenotype. Last evaluated: 2026-08-26. Review status: criteria provided, single submitter. Criteria: Ambry Variant Classification Scheme 2023. Collection method: clinical testing. Allele origin: germline.
Comment: The p.A112V variant (also known as c.335C>T), located in coding exon 3 of the CSRP3 gene, results from a C to T substitution at nucleotide position 335. The alanine at codon 112 is replaced by valine, an amino acid with similar properties. This amino acid position is not well conserved in available vertebrate species. In addition, this alteration is predicted to be tolerated by in silico analysis. Based on the available evidence, the clinical significance of this variant remains unclear.

Labcorp Genetics (formerly Invitae), Labcorp
Classification: Uncertain significance for Hypertrophic cardiomyopathy 12; Dilated cardiomyopathy 1M. Last evaluated: 2025-11-25. Review status: criteria provided, single submitter. Criteria: Invitae Variant Classification Sherloc (09022015). Collection method: clinical testing. Allele origin: germline.
Comment: This sequence change replaces alanine, which is neutral and non-polar, with valine, which is neutral and non-polar, at codon 112 of the CSRP3 protein (p.Ala112Val). This variant is present in population databases (rs753711278, gnomAD 0.006%). This variant has not been reported in the literature in individuals affected with CSRP3-related conditions. ClinVar contains an entry for this variant (Variation ID: 1058043). An algorithm developed to predict the effect of missense changes on protein structure and function (PolyPhen-2) suggests that this variant is likely to be tolerated. In summary, the available evidence is currently insufficient to determine the role of this variant in disease. Therefore, it has been classified as a Variant of Uncertain Significance.

Blueprint Genetics
Classification: Likely benign. Last evaluated: 2024-03-02. Review status: criteria provided, single submitter. Criteria: ACMG Guidelines, 2015. Collection method: clinical testing. Allele origin: germline.

Fulgent Genetics
Classification: Uncertain significance for Dilated cardiomyopathy 1M; Hypertrophic cardiomyopathy 12. Last evaluated: 2021-09-06. Review status: criteria provided, single submitter. Criteria: ACMG Guidelines, 2015. Collection method: clinical testing. Allele origin: unknown.